The following is an entry in ClinVar:

ClinVar aggregate classification (germline): Uncertain significance (1 of 4 stars; one submission).

Submission:

Labcorp Genetics (formerly Invitae), Labcorp
Classification: Uncertain significance. Last evaluated: 2025-07-21. Review status: criteria provided, single submitter. Criteria: Invitae Variant Classification Sherloc (09022015). Collection method: clinical testing. Allele origin: germline.
Comment: This sequence change replaces tyrosine, which is neutral and polar, with cysteine, which is neutral and slightly polar, at codon 241 of the TFAM protein (p.Tyr241Cys). This variant is present in population databases (rs765674644, gnomAD 0.003%). This variant has not been reported in the literature in individuals affected with TFAM-related conditions. An algorithm developed to predict the effect of missense changes on protein structure and function (PolyPhen-2) suggests that this variant is likely to be tolerated. In summary, the available evidence is currently insufficient to determine the role of this variant in disease. Therefore, it has been classified as a Variant of Uncertain Significance.

NM_003201.3(TFAM):c.722A>G (p.Tyr241Cys)

Gene: TFAM (transcription factor A, mitochondrial; plus strand). Cytogenetic location: 10q21.1.
Variant type: single nucleotide variant.
Coding change: c.722A>G on transcript NM_003201.3 (MANE Select); coding-DNA position 722, A replaced by G.
Protein change: p.Tyr241Cys; replaces tyrosine 241 with cysteine.
Molecular consequence: missense variant. On other transcripts: non-coding transcript variant (1).
Genome position (GRCh38, 1-based): chr10:58,395,055, A>G. VCF-style: chr10-58395055-A-G. GRCh37 (hg19) VCF-style: chr10-60154815-A-G.
Other names: c.626A>G, p.Tyr209Cys (NM_001270782.2); short protein forms Y209C, Y241C.
Identifiers: ClinVar variation 4692928 (VCV004692928.1).